The following is an entry in ClinVar:

ClinVar aggregate classification (germline): Pathogenic. Review status: criteria provided, multiple submitters, no conflicts (2 of 4 stars). 6 submissions from 5 submitters: Pathogenic (4). 2 of the submissions do not count toward it. Last evaluated 2025-02-11.

Conditions:
Tuberous sclerosis syndrome (TSC). Also called: Tuberous Sclerosis Complex; Tuberous sclerosis. Identifiers: Orphanet 805, MedGen C0041341, MONDO:0001734.
Tuberous sclerosis 2 (TSC2). Identifiers: Orphanet 805, MedGen C1860707, MONDO:0013199, OMIM 613254.
Hereditary cancer-predisposing syndrome. Also called: Neoplastic Syndromes, Hereditary; Tumor predisposition; Hereditary Cancer Syndrome; Hereditary neoplastic syndrome. Identifiers: Orphanet 140162, MedGen C0027672, MeSH D009386, MONDO:0015356.

Submissions (6):

Ambry Genetics
Classification: Pathogenic for Hereditary cancer-predisposing syndrome. Last evaluated: 2025-02-11. Review status: criteria provided, single submitter. Criteria: Ambry Variant Classification Scheme 2023. Collection method: clinical testing. Allele origin: germline.
Comment: The c.2098-1G>A intronic pathogenic mutation results from a G to A substitution one nucleotide upstream from coding exon 19 of the TSC2 gene. This variant was reported in individual(s) with features consistent with tuberous sclerosis complex (Ambry internal data; Reyna-Fabi&aacute;n ME et al. Sci Rep, 2020 Apr;10:6589; Dabora SL et al. Am J Hum Genet, 2001 Jan;68:64-80; Au KS et al. Genet Med, 2007 Feb;9:88-100). This nucleotide position is highly conserved in available vertebrate species. In silico splice site analysis predicts that this alteration will weaken the native splice acceptor site. RNA studies have demonstrated that this alteration results in abnormal splicing in the set of samples tested (Ambry internal data). This variant is considered to be rare based on population cohorts in the Genome Aggregation Database (gnomAD). Based on the supporting evidence, this variant is interpreted as a disease-causing mutation.

Labcorp Genetics (formerly Invitae), Labcorp
Classification: Pathogenic for Tuberous sclerosis 2. Last evaluated: 2024-02-24. Review status: criteria provided, single submitter. Criteria: Invitae Variant Classification Sherloc (09022015). Collection method: clinical testing. Allele origin: germline.
Comment: This sequence change affects an acceptor splice site in intron 19 of the TSC2 gene. It is expected to disrupt RNA splicing. Variants that disrupt the donor or acceptor splice site typically lead to a loss of protein function (PMID: 16199547), and loss-of-function variants in TSC2 are known to be pathogenic (PMID: 10205261, 17304050). This variant is not present in population databases (gnomAD no frequency). Disruption of this splice site has been observed in individuals with TSC2-related disease (PMID: 11520734, 17304050). ClinVar contains an entry for this variant (Variation ID: 49730). Algorithms developed to predict the effect of sequence changes on RNA splicing suggest that this variant may disrupt the consensus splice site. For these reasons, this variant has been classified as Pathogenic.

Genome-Nilou Lab
Classification: Pathogenic for Tuberous sclerosis 2. Last evaluated: 2021-11-07. Review status: criteria provided, single submitter. Criteria: ACMG Guidelines, 2015. Collection method: clinical testing. Allele origin: germline. Affected: no.

GeneDx
Classification: Pathogenic. Last evaluated: 2015-07-14. Review status: criteria provided, single submitter. Criteria: GeneDx Variant Classification (06012015). Collection method: clinical testing. Allele origin: germline. Affected: yes.
Comment: The c.2098-1 G>A splice site variant in the TSC2 gene has been previously reportedmultiple times in association with tuberous sclerosis complex (TSC) (Dabora et al., 2001;Au et al., 2007; TSC2 LOVD). This variant destroys the canonical splice acceptor site in intron 19, and is expected to cause abnormal gene splicing. Therefore, we interpret the c.2098-1 variant in TSC2 as pathogenic.

Tuberous sclerosis database (TSC2)
No classification provided. Condition: TSC. Review status: no classification provided. Criteria: Tuberous Sclerosis Database Assertion Criteria 2015. Collection method: curation. Allele origin: germline. Affected: yes. Not counted in ClinVar's aggregate classification.

Tuberous sclerosis database (TSC2)
No classification provided. Condition: TSC. Review status: flagged submission. Criteria: Tuberous Sclerosis Database Assertion Criteria 2015. Collection method: curation. Allele origin: germline. Affected: yes. Not counted in ClinVar's aggregate classification.
ClinVar note: Reason: This record appears to be redundant with a more recent record from the same submitter.
ClinVar note: Notes: SCV000066793 appears to be redundant with SCV000083434.

Literature cited by the submitters: PubMed 11112665 (cited by Ambry Genetics); PubMed 11520734 (cited by Ambry Genetics and Labcorp Genetics (formerly Invitae), Labcorp); PubMed 17304050 (cited by Ambry Genetics and Labcorp Genetics (formerly Invitae), Labcorp); PubMed 32313033 (cited by Ambry Genetics); PubMed 16199547 (cited by Labcorp Genetics (formerly Invitae), Labcorp); PubMed 10205261 (cited by Labcorp Genetics (formerly Invitae), Labcorp).

NM_000548.5(TSC2):c.2098-1G>A

Gene: TSC2 (TSC complex subunit 2; plus strand). Cytogenetic location: 16p13.3.
Variant type: single nucleotide variant.
Coding change: c.2098-1G>A on transcript NM_000548.5 (MANE Select); the canonical splice acceptor site of the intron before coding-DNA position 2098, G replaced by A.
Molecular consequence: splice acceptor variant. On other transcripts: non-coding transcript variant (2).
Genome position (GRCh38, 1-based): chr16:2,072,240, G>A. VCF-style: chr16-2072240-G-A. GRCh37 (hg19) VCF-style: chr16-2122241-G-A.
Other names: c.754-1G>A (NM_001406693.1, NM_001406689.1, NM_001406690.1 and 6 more transcripts); c.2188-1G>A (NM_001406667.1, NM_001406668.1); c.1498-1G>A (NM_001406680.1, NM_001406683.1, NM_001406687.1 and 6 more transcripts); c.496-1G>A (NM_001406698.1); c.2098-1G>A (NM_001114382.3, NM_001406663.1, NM_001406664.1 and 6 more transcripts); c.2086-1G>A (NM_001406671.1, NM_001406673.1); c.1636-1G>A (NM_001406681.1); c.1987-1G>A (NM_001406670.1, NM_001318827.2, NM_001406678.1); and 3 more.
Identifiers: ClinVar variation 49730 (VCV000049730.14), dbSNP rs45517212, ClinGen allele CA016712.